The following is an entry in ClinVar:

ClinVar aggregate classification (germline): Pathogenic/Likely pathogenic. Review status: criteria provided, multiple submitters, no conflicts (2 of 4 stars). 25 submissions from 25 submitters: Pathogenic (19); Likely pathogenic (1). 5 of the submissions do not count toward it. Last evaluated 2026-01-19.

Conditions:
Lissencephaly. Also called: Lissencephaly spectrum disorders. Identifiers: Orphanet 48471, MedGen C0266463, MeSH D054082, MONDO:0018838, HP:0001339.
Severe intrauterine growth retardation. Identifiers: MedGen C1855843, HP:0008846.
Abnormal cerebellum morphology. Also called: Abnormality of the cerebellum; Cerebellar abnormalities; Cerebellar abnormality; Cerebellar anomaly; Cerebellar signs. Identifiers: MedGen C1866129, HP:0001317.
Microcephaly. Also called: Microcephaly (disease). Identifiers: MedGen C4551563, MONDO:0001149, HP:0000252.
Paucity of anterior horn motor neurons. Identifiers: MedGen C2673351, HP:0007277.
Fetal akinesia deformation sequence 1 (FADS1). Also called: Fetal akinesia sequence; Pena-Shokeir syndrome type I. Identifiers: Orphanet 994, MedGen C1276035, MONDO:0100101, OMIM 208150, HP:0001989.
Hypoplasia of the pons. Identifiers: MedGen C1848529, HP:0012110.
EXOSC3-related disorder. Also called: EXOSC3-related condition.
Congenital myopathy. Identifiers: Orphanet 97245, MedGen C0270960, MONDO:0019952.
Pontocerebellar hypoplasia type 1B. Also called: EXOSC3 Pontocerebellar Hypoplasia. Identifiers: Orphanet 2254, MedGen C3553449, MONDO:0013853, OMIM 614678.

Allele frequency attached by ClinVar (database versions not stated): gnomAD exomes 0.00001 and 0.00002; TOPMed below 0.00001; ExAC 0.00001.

Submissions 1 to 16 of 25:

Labcorp Genetics (formerly Invitae), Labcorp
Classification: Pathogenic for Pontocerebellar hypoplasia type 1B. Last evaluated: 2026-01-19. Review status: criteria provided, single submitter. Criteria: Invitae Variant Classification Sherloc (09022015). Collection method: clinical testing. Allele origin: germline.
Comment: This sequence change replaces glycine, which is neutral and non-polar, with alanine, which is neutral and non-polar, at codon 31 of the EXOSC3 protein (p.Gly31Ala). This variant is present in population databases (rs387907196, gnomAD 0.003%). This missense change has been observed in individuals with pontocerebellar hypoplasia (PMID: 22544365, 30221345). It has also been observed to segregate with disease in related individuals. ClinVar contains an entry for this variant (Variation ID: 31691). Invitae Evidence Modeling of protein sequence and biophysical properties (such as structural, functional, and spatial information, amino acid conservation, physicochemical variation, residue mobility, and thermodynamic stability) indicates that this missense variant is expected to disrupt EXOSC3 protein function with a positive predictive value of 95%. Experimental studies have shown that this missense change affects EXOSC3 function (PMID: 22544365, 28053271). For these reasons, this variant has been classified as Pathogenic.

Institute of Human Genetics, University of Leipzig Medical Center
Classification: Pathogenic for Pontocerebellar hypoplasia type 1B. Last evaluated: 2025-08-18. Review status: criteria provided, single submitter. Criteria: ACMG Guidelines, 2015. Collection method: clinical testing. Allele origin: unknown. Inheritance: Autosomal recessive inheritance. Affected: yes.
Comment: Criteria applied: PM3_VSTR,PM1_SUP,PM2_SUP,PP3

Center of Human Genetics, Hôpital Erasme
Classification: Pathogenic for Pontocerebellar hypoplasia type 1B. Last evaluated: 2025-01-01. Review status: criteria provided, single submitter. Criteria: ACMG Guidelines, 2015. Collection method: clinical testing. Allele origin: inherited. Affected: yes.

Blueprint Genetics
Classification: Pathogenic for EXOSC3-related disorders. Last evaluated: 2024-11-26. Review status: criteria provided, single submitter. Criteria: ACMG Guidelines, 2015. Collection method: clinical testing. Allele origin: germline. Affected: yes. Observed: 5 variant alleles.

3billion
Classification: Pathogenic for Pontocerebellar hypoplasia type 1B. Last evaluated: 2024-11-21. Review status: criteria provided, single submitter. Criteria: ACMG Guidelines, 2015. Collection method: clinical testing. Allele origin: germline. Affected: yes.
Comment: The variant is observed at an extremely low frequency in the gnomAD v4.1.0 dataset (total allele frequency: 0.001%). Predicted Consequence/Location: Missense variant Functional studies provide supporting evidence of the variant having a damaging effect on the gene or gene product (PMID: 22544365). In silico tool predictions suggest damaging effect of the variant on gene or gene product [REVEL: 0.74 (>=0.6, sensitivity 0.68 and specificity 0.92); 3Cnet: 0.99 (>=0.6, sensitivity 0.72 and precision 0.9)]. The same nucleotide change resulting in the same amino acid change has been previously reported as pathogenic/likely pathogenic with strong evidence (ClinVar ID: VCV000031691 /PMID: 22544365 /3billion dataset). The variant has been reported to be in trans with a pathogenic variant as either compound heterozygous or homozygous in at least one similarly affected unrelated individual (PMID: 22544365). Therefore, this variant is classified as Pathogenic according to the recommendation of ACMG/AMP guideline.

Muscle and Diseases Team, Institut de Génétique et Biologie Moléculaire et Cellulaire
Classification: Pathogenic for Congenital myopathy. Last evaluated: 2024-03-01. Review status: criteria provided, single submitter. Criteria: ACMG Guidelines, 2015. Collection method: research. Allele origin: germline. Affected: yes. Observed: 1 variant allele.
Comment: PS1+PM1+PM2+PP2+PP3+PP4+PP5

Fulgent Genetics
Classification: Pathogenic for Pontocerebellar hypoplasia type 1B. Last evaluated: 2024-02-02. Review status: criteria provided, single submitter. Criteria: ACMG Guidelines, 2015. Collection method: clinical testing. Allele origin: germline.

Laboratorio de Genetica e Diagnostico Molecular, Hospital Israelita Albert Einstein
Classification: Pathogenic for Pontocerebellar hypoplasia type 1B. Last evaluated: 2022-07-24. Review status: criteria provided, single submitter. Criteria: ACMG Guidelines, 2015. Collection method: clinical testing. Allele origin: germline. Affected: yes. Observed: 1 variant allele.
Comment: ACMG classification criteria: PS3 supporting, PS4 strong, PM2 moderated, PM3 strong, PP1 strong, PP3 supporting

MGZ Medical Genetics Center
Classification: Pathogenic for Pontocerebellar hypoplasia type 1B. Last evaluated: 2022-06-29. Review status: criteria provided, single submitter. Criteria: ACMG Guidelines, 2015. Collection method: clinical testing. Allele origin: germline. Affected: yes. Observed: 3 variant alleles.
Comment: ACMG criteria applied: PS4, PM3, PS3_SUP, PM2_SUP, PP1, PP3

GeneDx
Classification: Pathogenic. Last evaluated: 2022-05-02. Review status: criteria provided, single submitter. Criteria: GeneDx Variant Classification Process June 2021. Collection method: clinical testing. Allele origin: germline. Affected: yes.
Comment: Published yeast functional studies demonstrate a damaging effect with impaired pre-rRNA processing (Gillespie et al., 2017); Not observed at a significant frequency in large population cohorts (gnomAD); In silico analysis, which includes protein predictors and evolutionary conservation, supports a deleterious effect; This variant is associated with the following publications: (PMID: 30986545, 27777260, 27876572, 23883322, 28053271, 29096039, 22544365, 30221345, 30025162, 29656927, 34426522, 31589614, 31770597, 24524299)

Centre of Medical Genetics, University Hospital Muenster
Classification: Likely pathogenic for Pontocerebellar hypoplasia type 1B. Last evaluated: 2022-02-25. Review status: criteria provided, single submitter. Criteria: ACMG Guidelines, 2015. Collection method: clinical testing. Allele origin: germline. Affected: yes. Observed: 1 variant allele, 1 homozygote.
Comment: ACMG categories: PM2,PM3,PP3,PP5

Revvity Omics, Revvity
Classification: Pathogenic for Pontocerebellar hypoplasia type 1B. Last evaluated: 2022-02-19. Review status: criteria provided, single submitter. Criteria: ACMG Guidelines, 2015. Collection method: clinical testing. Allele origin: germline.

Provincial Medical Genetics Program of British Columbia, University of British Columbia
Classification: Pathogenic for Pontocerebellar hypoplasia type 1B. Last evaluated: 2022-01-01. Review status: criteria provided, single submitter. Criteria: ACMG Guidelines, 2015. Collection method: clinical testing. Allele origin: paternal. Affected: yes.

Institute of Medical Genetics and Applied Genomics, University Hospital Tübingen
Classification: Pathogenic. Last evaluated: 2020-10-23. Review status: criteria provided, single submitter. Criteria: ACMG Guidelines, 2015. Collection method: clinical testing. Allele origin: germline. Inheritance: Unknown mechanism. Affected: yes.

CeGaT Center for Human Genetics Tuebingen
Classification: Pathogenic. Last evaluated: 2020-01-01. Review status: criteria provided, single submitter. Criteria: CeGaT Center For Human Genetics Tuebingen Variant Classification Criteria Version 2. Collection method: clinical testing. Allele origin: germline. Affected: yes. Observed: 3 variant alleles.

Department of Genetics, Rouen University Hospital, Normandy Center for Genomic and Personalized Medicine
Classification: Pathogenic for Severe intrauterine growth retardation; Fetal akinesia deformation sequence 1; Lissencephaly; Microcephaly; Abnormal cerebellum morphology; Hypoplasia of the pons; Paucity of anterior horn motor neurons. Last evaluated: 2019-10-09. Review status: criteria provided, single submitter. Criteria: ACMG Guidelines, 2015. Collection method: clinical testing. Allele origin: inherited. Inheritance: Autosomal recessive inheritance. Affected: yes. Observed: 1 homozygote.

NM_016042.4(EXOSC3):c.92G>C (p.Gly31Ala)

Gene: EXOSC3 (exosome component 3; minus strand). Cytogenetic location: 9p13.2.
Variant type: single nucleotide variant.
Coding change: c.92G>C on transcript NM_016042.4 (MANE Select); coding-DNA position 92, G replaced by C.
Protein change: p.Gly31Ala; replaces glycine 31 with alanine.
Molecular consequence: missense variant.
Genome position (GRCh38, 1-based): chr9:37,784,953, C>G on the plus strand (G>C on the coding strand, the complement: EXOSC3 is on the minus strand). VCF-style: chr9-37784953-C-G. GRCh37 (hg19) VCF-style: chr9-37784950-C-G.
Other names: c.92G>C, p.Gly31Ala (NM_001002269.2); short protein forms G31A.
Identifiers: ClinVar variation 31691 (VCV000031691.75), dbSNP rs387907196, ClinGen allele CA342800.
Genomic context (GRCh38, chr9:37,784,953, plus strand): 5'-CGCTCCACTGCACCCCCAGGGCCTTCCGCGTCCTCCTGTTCCGGCAGGAGCAGCTCCTCA[C>G]CCGGGAGCACCACCTGACCTAGTACTGTGCGTGCAGCGCGCGCCCTGCTGCCCGCGAGAG-3'
Protein context (NP_057126.2, residues 21-41): RTVLGQVVLP[Gly31Ala]EELLLPEQED